The following is an entry in ClinVar:

ClinVar aggregate classification (germline): Uncertain significance. Review status: criteria provided, multiple submitters, no conflicts (2 of 4 stars). 2 submissions from 2 submitters: Uncertain significance (2). Last evaluated 2024-02-03.

Conditions:
Hereditary cancer-predisposing syndrome. Also called: Hereditary Cancer Syndrome; Neoplastic Syndromes, Hereditary; Tumor predisposition; Hereditary neoplastic syndrome. Identifiers: Orphanet 140162, MedGen C0027672, MeSH D009386, MONDO:0015356.
Familial cancer of breast. Also called: BREAST CANCER, FAMILIAL; Hereditary breast cancer; hereditary breast carcinoma. Identifiers: Orphanet 227535, MedGen C0346153, MONDO:0016419, OMIM 114480. Disease mechanism: loss of function.

Submissions (2):

Labcorp Genetics (formerly Invitae), Labcorp
Classification: Uncertain significance for Familial cancer of breast. Last evaluated: 2024-02-03. Review status: criteria provided, single submitter. Criteria: Invitae Variant Classification Sherloc (09022015). Collection method: clinical testing. Allele origin: germline.
Comment: This sequence change replaces arginine, which is basic and polar, with glycine, which is neutral and non-polar, at codon 137 of the CHEK2 protein (p.Arg137Gly). This variant is not present in population databases (gnomAD no frequency). This variant has not been reported in the literature in individuals affected with CHEK2-related conditions. ClinVar contains an entry for this variant (Variation ID: 479597). An algorithm developed to predict the effect of missense changes on protein structure and function (PolyPhen-2) suggests that this variant is likely to be tolerated. In summary, the available evidence is currently insufficient to determine the role of this variant in disease. Therefore, it has been classified as a Variant of Uncertain Significance.

Ambry Genetics
Classification: Uncertain significance for Hereditary cancer-predisposing syndrome. Last evaluated: 2021-08-11. Review status: criteria provided, single submitter. Criteria: Ambry Variant Classification Scheme 2023. Collection method: clinical testing. Allele origin: germline.
Comment: The p.R137G variant (also known as c.409C>G), located in coding exon 2 of the CHEK2 gene, results from a C to G substitution at nucleotide position 409. The arginine at codon 137 is replaced by glycine, an amino acid with dissimilar properties. This amino acid position is not well conserved in available vertebrate species. In addition, the in silico prediction for this alteration is inconclusive. Since supporting evidence is limited at this time, the clinical significance of this alteration remains unclear.

NM_007194.4(CHEK2):c.409C>G (p.Arg137Gly)

Gene: CHEK2 (checkpoint kinase 2; minus strand). Cytogenetic location: 22q12.1.
Variant type: single nucleotide variant.
Coding change: c.409C>G on transcript NM_007194.4 (MANE Select); coding-DNA position 409, C replaced by G.
Protein change: p.Arg137Gly; replaces arginine 137 with glycine.
Molecular consequence: missense variant.
Genome position (GRCh38, 1-based): chr22:28,725,278, G>C on the plus strand (C>G on the coding strand, the complement: CHEK2 is on the minus strand). VCF-style: chr22-28725278-G-C. GRCh37 (hg19) VCF-style: chr22-29121266-G-C.
Other names: c.538C>G, p.Arg180Gly (NM_001005735.3); c.-369C>G (NM_001257387.3); c.409C>G, p.Arg137Gly (NM_001349956.3, NM_145862.3); short protein forms R137G, R180G.
Identifiers: ClinVar variation 479597 (VCV000479597.15), dbSNP rs730881701, ClinGen allele CA411107979.
Genomic context (GRCh38, chr22:28,725,278, plus strand): 5'-AGATACATGGGTATTCATTACCTACCCTGAAAATCCGAAAGTGTTTCTTGCTGTATGTTC[G>C]GTATTTATCTGTTCTTTTCAGCAGTGGTTCATCAAAGCAATATTCACAGCTTTTGTCCCT-3'
Protein context (NP_009125.1, residues 127-147): EPLLKRTDKY[Arg137Gly]TYSKKHFRIF